The following is an entry in ClinVar:

NM_001458.5(FLNC):c.8087A>G (p.Tyr2696Cys)

Genes: FLNC (filamin C; plus strand), FLNC-AS1 (FLNC antisense RNA 1; minus strand). Cytogenetic location: 7q32.1.
Variant type: single nucleotide variant.
Coding change: c.8087A>G on transcript NM_001458.5 (MANE Select); coding-DNA position 8087, A replaced by G.
Protein change: p.Tyr2696Cys; replaces tyrosine 2696 with cysteine.
Molecular consequence: missense variant.
Genome position (GRCh38, 1-based): chr7:128,858,432, A>G. VCF-style: chr7-128858432-A-G. GRCh37 (hg19) VCF-style: chr7-128498486-A-G.
Other names: c.7988A>G, p.Tyr2663Cys (NM_001127487.2); short protein forms Y2696C, Y2663C.
Identifiers: ClinVar variation 1413290 (VCV001413290.6), dbSNP rs2128940675, ClinGen allele CA369221683.

ClinVar aggregate classification (germline): Uncertain significance (1 of 4 stars; one submission).

Conditions:
Hypertrophic cardiomyopathy 26. Also called: Cardiomyopathy, familial hypertrophic, 26. Identifiers: Orphanet 75249, MedGen C4310749, MONDO:0014883, OMIM 617047.
Myofibrillar myopathy 5. Also called: Filaminopathy (type); FILAMINOPATHY, AUTOSOMAL DOMINANT. Identifiers: Orphanet 171445, MedGen C1836050, MONDO:0012289, OMIM 609524.
Distal myopathy with posterior leg and anterior hand involvement. Also called: WILLIAMS DISTAL MYOPATHY. Identifiers: Orphanet 63273, MedGen C3279722, MONDO:0013550, OMIM 614065.

Submission:

Labcorp Genetics (formerly Invitae), Labcorp
Classification: Uncertain significance for Distal myopathy with posterior leg and anterior hand involvement; Myofibrillar myopathy 5; Hypertrophic cardiomyopathy 26. Last evaluated: 2021-11-01. Review status: criteria provided, single submitter. Criteria: Invitae Variant Classification Sherloc (09022015). Collection method: clinical testing. Allele origin: germline.
Comment: This sequence change replaces tyrosine, which is neutral and polar, with cysteine, which is neutral and slightly polar, at codon 2696 of the FLNC protein (p.Tyr2696Cys). In summary, the available evidence is currently insufficient to determine the role of this variant in disease. Therefore, it has been classified as a Variant of Uncertain Significance. Algorithms developed to predict the effect of missense changes on protein structure and function are either unavailable or do not agree on the potential impact of this missense change (SIFT: "Deleterious"; PolyPhen-2: "Probably Damaging"; Align-GVGD: "Class C0"). This variant has not been reported in the literature in individuals affected with FLNC-related conditions. This variant is not present in population databases (gnomAD no frequency).